The following is an entry in ClinVar:

NM_001369268.1(ACAN):c.6743C>T (p.Thr2248Ile)

Gene: ACAN (aggrecan; plus strand). Cytogenetic location: 15q26.1.
Variant type: single nucleotide variant.
Coding change: c.6743C>T on transcript NM_001369268.1 (MANE Select); coding-DNA position 6743, C replaced by T.
Protein change: p.Thr2248Ile; replaces threonine 2248 with isoleucine.
Molecular consequence: missense variant.
Genome position (GRCh38, 1-based): chr15:88,859,328, C>T. VCF-style: chr15-88859328-C-T. GRCh37 (hg19) VCF-style: chr15-89402559-C-T.
Other names: c.6743C>T, p.Thr2248Ile (NM_001135.4, NM_013227.4); short protein forms T2248I.
Identifiers: ClinVar variation 1315952 (VCV001315952.2), dbSNP rs574437652, ClinGen allele CA7720477.

ClinVar aggregate classification (germline): Uncertain significance (1 of 4 stars; one submission).

Allele frequency attached by ClinVar (database versions not stated): gnomAD 0.00001; gnomAD exomes 0.00009; ExAC 0.00016; 1000 Genomes Project 30x 0.00031; 1000 Genomes Project 0.00040.
gnomAD v4.1: 56 of 1,607,250 alleles (0.0035%); highest among the groups gnomAD compares: South Asian, 0.031%; no homozygotes.

Submission:

GeneDx
Classification: Uncertain significance. Last evaluated: 2020-03-13. Review status: criteria provided, single submitter. Criteria: GeneDx Variant Classification Process June 2021. Collection method: clinical testing. Allele origin: germline. Affected: yes.
Comment: In silico analysis supports that this missense variant has a deleterious effect on protein structure/function; Has not been previously published as pathogenic or benign to our knowledge